The following is an entry in ClinVar:

ClinVar aggregate classification (germline): Uncertain significance. Review status: criteria provided, multiple submitters, no conflicts (2 of 4 stars). 4 submissions from 4 submitters: Uncertain significance (3). 1 of the submissions does not count toward it. Last evaluated 2025-10-29.

Conditions:
Cardiovascular phenotype. Identifiers: MedGen CN230736.
Familial long QT syndrome (RWS). Also called: Congenital long QT syndrome; Romano-Ward syndrome; VENTRICULAR FIBRILLATION WITH PROLONGED QT INTERVAL. Identifiers: Orphanet 768, MedGen C1141890, MONDO:0019171.
Long QT syndrome (LQTS). Identifiers: MedGen C0023976, MeSH D008133, MONDO:0002442. Disease mechanism: loss of function. Inheritance: Various modes of inheritance.

Allele frequency attached by ClinVar (database versions not stated): gnomAD exomes 0.00001; TOPMed 0.00001; gnomAD 0.00001.
gnomAD v4.1: 9 of 1,580,600 alleles (0.00057%); highest among the groups gnomAD compares: African/African-American, 0.0027%; no homozygotes.

Submissions (4):

Labcorp Genetics (formerly Invitae), Labcorp
Classification: Uncertain significance for Long QT syndrome. Last evaluated: 2025-10-29. Review status: criteria provided, single submitter. Criteria: Invitae Variant Classification Sherloc (09022015). Collection method: clinical testing. Allele origin: germline.
Comment: This sequence change replaces alanine, which is neutral and non-polar, with threonine, which is neutral and polar, at codon 1144 of the KCNH2 protein (p.Ala1144Thr). The frequency data for this variant in the population databases is considered unreliable, as metrics indicate poor data quality at this position in the gnomAD database. This missense change has been observed in individual(s) with clinical features of KCNH2-related conditions (PMID: 18441445, 31696929). ClinVar contains an entry for this variant (Variation ID: 67495). An algorithm developed to predict the effect of missense changes on protein structure and function (PolyPhen-2) suggests that this variant is likely to be tolerated. In summary, the available evidence is currently insufficient to determine the role of this variant in disease. Therefore, it has been classified as a Variant of Uncertain Significance.

All of Us Research Program, National Institutes of Health
Classification: Uncertain significance for Long QT syndrome. Last evaluated: 2024-05-14. Review status: criteria provided, single submitter. Criteria: ACMG Guidelines, 2015. Collection method: clinical testing. Allele origin: germline. Inheritance: Autosomal dominant inheritance. Observed: 3 variant alleles, 3 heterozygotes.
Comment: This missense variant replaces alanine with threonine at codon 1144 of the KCNH2 protein. Computational prediction is inconclusive regarding the impact of this variant on protein structure and function (internally defined REVEL score threshold 0.5 < inconclusive < 0.7, PMID: 27666373). To our knowledge, functional studies have not been reported for this variant. This variant has been reported in an individual affected with long QT syndrome (PMID: 18441445), in another suspected of having epilepsy, in one affected with cardiovascular disease, and in two individuals with other non-cardiovascular diseases (PMID: 31696929). This variant has been identified in 2/219864 chromosomes in the general population by the Genome Aggregation Database (gnomAD). The available evidence is insufficient to determine the role of this variant in disease conclusively. Therefore, this variant is classified as a Variant of Uncertain Significance.

This study involves interpretation of variants in research participants for the purpose of population health screening. Participant phenotype was not available at the time of variant classification. Additional details can be found in publication PMID: 35346344, PMCID: PMC8962531

Ambry Genetics
Classification: Uncertain significance for Cardiovascular phenotype. Last evaluated: 2022-12-20. Review status: criteria provided, single submitter. Criteria: Ambry General Variant Classification Scheme_2022. Collection method: clinical testing. Allele origin: germline.
Comment: The p.A1144T variant (also known as c.3430G>A), located in coding exon 15 of the KCNH2 gene, results from a G to A substitution at nucleotide position 3430. The alanine at codon 1144 is replaced by threonine, an amino acid with similar properties. This alteration has been reported in a long QT syndrome genetic testing cohort; however, clinical details were limited (Nagaoka I et al. Circ J, 2008 May;72:694-9). This amino acid position is well conserved in available vertebrate species. In addition, the in silico prediction for this alteration is inconclusive. Since supporting evidence is limited at this time, the clinical significance of this alteration remains unclear.

Cardiovascular Biomedical Research Unit, Royal Brompton & Harefield NHS Foundation Trust
No classification provided. Condition: Familial long QT syndrome. Review status: no classification provided. Collection method: literature only. Allele origin: germline. Not counted in ClinVar's aggregate classification.
Comment: This variant has been reported as associated with Long QT syndrome in the following publications (PMID:18441445). This is a literature report, and does not necessarily reflect the clinical interpretation of the Imperial College / Royal Brompton Cardiovascular Genetics laboratory.

Literature cited by the submitters: PubMed 18441445 (cited by 4 submitters); PubMed 31696929 (cited by Labcorp Genetics (formerly Invitae), Labcorp and All of Us Research Program, National Institutes of Health); PubMed 22581653 (cited by Cardiovascular Biomedical Research Unit, Royal Brompton & Harefield NHS Foundation Trust).

NM_000238.4(KCNH2):c.3430G>A (p.Ala1144Thr)

Gene: KCNH2 (potassium voltage-gated channel subfamily H member 2; minus strand). Cytogenetic location: 7q36.1.
Variant type: single nucleotide variant.
Coding change: c.3430G>A on transcript NM_000238.4 (MANE Select); coding-DNA position 3430, G replaced by A.
Protein change: p.Ala1144Thr; replaces alanine 1144 with threonine.
Molecular consequence: missense variant.
Genome position (GRCh38, 1-based): chr7:150,945,415, C>T on the plus strand (G>A on the coding strand, the complement: KCNH2 is on the minus strand). VCF-style: chr7-150945415-C-T. GRCh37 (hg19) VCF-style: chr7-150642503-C-T.
Other names: c.3430G>A (LRG_288t1); c.2410G>A, p.Ala804Thr (NM_172057.3); short protein forms A1144T, A804T.
Identifiers: ClinVar variation 67495 (VCV000067495.7), dbSNP rs199473034, ClinGen allele CA008308.